The following is an entry in ClinVar:

ClinVar aggregate classification (germline): Uncertain significance. Review status: criteria provided, multiple submitters, no conflicts (2 of 4 stars). 2 submissions from 2 submitters: Uncertain significance (2). Last evaluated 2025-07-06.

Conditions:
Fanconi anemia (FA). Also called: Fanconi's anemia. Identifiers: Orphanet 84, MedGen C0015625, MeSH D005199, MONDO:0019391.
Inborn genetic diseases. Identifiers: MedGen C0950123, MeSH D030342.

Submissions (2):

Ambry Genetics
Classification: Uncertain significance for Inborn genetic diseases. Last evaluated: 2025-07-06. Review status: criteria provided, single submitter. Criteria: Ambry Variant Classification Scheme 2023. Collection method: clinical testing. Allele origin: germline.
Comment: The p.K1297E variant (also known as c.3889A>G), located in coding exon 39 of the FANCA gene, results from an A to G substitution at nucleotide position 3889. The lysine at codon 1297 is replaced by glutamic acid, an amino acid with similar properties. This amino acid position is conserved. In addition, this alteration is predicted to be tolerated by in silico analysis. Based on the available evidence, the clinical significance of this variant remains unclear.

Labcorp Genetics (formerly Invitae), Labcorp
Classification: Uncertain significance for Fanconi anemia. Last evaluated: 2022-10-05. Review status: criteria provided, single submitter. Criteria: Invitae Variant Classification Sherloc (09022015). Collection method: clinical testing. Allele origin: germline.
Comment: In summary, the available evidence is currently insufficient to determine the role of this variant in disease. Therefore, it has been classified as a Variant of Uncertain Significance. Advanced modeling of protein sequence and biophysical properties (such as structural, functional, and spatial information, amino acid conservation, physicochemical variation, residue mobility, and thermodynamic stability) performed at Invitae indicates that this missense variant is not expected to disrupt FANCA protein function. This variant has not been reported in the literature in individuals affected with FANCA-related conditions. This variant is not present in population databases (gnomAD no frequency). This sequence change replaces lysine, which is basic and polar, with glutamic acid, which is acidic and polar, at codon 1297 of the FANCA protein (p.Lys1297Glu).

NM_000135.4(FANCA):c.3889A>G (p.Lys1297Glu)

Genes: FANCA (FA complementation group A; minus strand), ZNF276 (zinc finger protein 276; plus strand). Cytogenetic location: 16q24.3.
Variant type: single nucleotide variant.
Coding change: c.3889A>G on transcript NM_000135.4 (MANE Select); coding-DNA position 3889, A replaced by G.
Protein change: p.Lys1297Glu; replaces lysine 1297 with glutamic acid.
Molecular consequence: missense variant. On other transcripts: 3 prime UTR variant (2), non-coding transcript variant (4).
Genome position (GRCh38, 1-based): chr16:89,740,039, T>C on the plus strand (A>G on the coding strand, the complement: FANCA is on the minus strand). VCF-style: chr16-89740039-T-C. GRCh37 (hg19) VCF-style: chr16-89806447-T-C.
Other names: c.3889A>G, p.Lys1297Glu (NM_001286167.3); c.*1793T>C (NM_001113525.2, NM_152287.4); short protein forms K1297E.
Identifiers: ClinVar variation 2067446 (VCV002067446.4), dbSNP rs2544088268, ClinGen allele CA397484990.